The following is an entry in ClinVar:

ClinVar aggregate classification (germline): Likely benign. Review status: criteria provided, multiple submitters, no conflicts (2 of 4 stars). 3 submissions from 3 submitters: Likely benign (3). Last evaluated 2023-08-15.

Conditions:
Familial adenomatous polyposis 1 (FAP1). Also called: FAMILIAL ADENOMATOUS POLYPOSIS 1, ATTENUATED; POLYPOSIS, ADENOMATOUS INTESTINAL. Identifiers: MedGen C2713442, MONDO:0021056, OMIM 175100. Disease mechanism: loss of function.
Classic or attenuated familial adenomatous polyposis. Identifiers: MedGen CN372698, MONDO:0021057.
Hereditary cancer-predisposing syndrome. Also called: Tumor predisposition; Neoplastic Syndromes, Hereditary; Hereditary neoplastic syndrome; Hereditary Cancer Syndrome. Identifiers: Orphanet 140162, MedGen C0027672, MeSH D009386, MONDO:0015356.

Submissions (3):

All of Us Research Program, National Institutes of Health
Classification: Likely benign for Classic or attenuated familial adenomatous polyposis. Last evaluated: 2023-08-15. Review status: criteria provided, single submitter. Criteria: ACMG Guidelines, 2015. Collection method: clinical testing. Allele origin: germline. Inheritance: Autosomal dominant inheritance. Observed: 1 variant allele, 1 heterozygote.
Comment: This study involves interpretation of variants in research participants for the purpose of population health screening. Participant phenotype was not available at the time of variant classification. Additional details can be found in publication PMID: 35346344, PMCID: PMC8962531

Labcorp Genetics (formerly Invitae), Labcorp
Classification: Likely benign for Familial adenomatous polyposis 1. Last evaluated: 2022-06-24. Review status: criteria provided, single submitter. Criteria: Invitae Variant Classification Sherloc (09022015). Collection method: clinical testing. Allele origin: germline.

Ambry Genetics
Classification: Likely benign for Hereditary cancer-predisposing syndrome. Last evaluated: 2019-06-15. Review status: criteria provided, single submitter. Criteria: Ambry Variant Classification Scheme 2023. Collection method: clinical testing. Allele origin: germline.

NM_000038.6(APC):c.5916C>G (p.Leu1972=)

Gene: APC (APC regulator of Wnt signaling pathway; plus strand). Cytogenetic location: 5q22.2.
Variant type: single nucleotide variant.
Coding change: c.5916C>G on transcript NM_000038.6 (MANE Select); coding-DNA position 5916, C replaced by G.
Protein change: p.Leu1972=; no amino-acid change (leucine 1972 retained).
Molecular consequence: synonymous variant.
Genome position (GRCh38, 1-based): chr5:112,841,510, C>G. VCF-style: chr5-112841510-C-G. GRCh37 (hg19) VCF-style: chr5-112177207-C-G.
Other names: c.5916C>G, p.Leu1972= (NM_001127510.3, NM_001354895.2); c.5862C>G, p.Leu1954= (NM_001127511.3); c.5970C>G, p.Leu1990= (NM_001354896.2); c.5946C>G, p.Leu1982= (NM_001354897.2); c.5841C>G, p.Leu1947= (NM_001354898.2); c.5832C>G, p.Leu1944= (NM_001354899.2); c.5793C>G, p.Leu1931= (NM_001354900.2); c.5739C>G, p.Leu1913= (NM_001354901.2); and 5 more.
Identifiers: ClinVar variation 416717 (VCV000416717.16), dbSNP rs1060504870, ClinGen allele CA16611852.
Genomic context (GRCh38, chr5:112,841,510, plus strand): 5'-GAATTTTGCTATTGAAAATACTCCGGTTTGCTTTTCTCATAATTCCTCTCTGAGTTCTCT[C>G]AGTGACATTGACCAAGAAAACAACAATAAAGAAAATGAACCTATCAAAGAGACTGAGCCC-3'
Protein context (NP_000029.2, residues 1962-1982): CFSHNSSLSS[Leu1972=]SDIDQENNNK